The following is an entry in ClinVar:

NM_000535.7(PMS2):c.1677A>G (p.Gly559=)

Gene: PMS2 (PMS1 homolog 2, mismatch repair system component; minus strand). Cytogenetic location: 7p22.1.
Variant type: single nucleotide variant.
Coding change: c.1677A>G on transcript NM_000535.7 (MANE Select); coding-DNA position 1677, A replaced by G.
Protein change: p.Gly559=; no amino-acid change (glycine 559 retained).
Molecular consequence: synonymous variant. On other transcripts: non-coding transcript variant (1), intron variant (1).
Genome position (GRCh38, 1-based): chr7:5,987,088, T>C on the plus strand (A>G on the coding strand, the complement: PMS2 is on the minus strand). VCF-style: chr7-5987088-T-C. GRCh37 (hg19) VCF-style: chr7-6026719-T-C.
Other names: c.1272A>G, p.Gly424= (NM_001322003.2, NM_001322004.2, NM_001322005.2 and 16 more transcripts); c.1521A>G, p.Gly507= (NM_001322006.2, NM_001406870.1); c.1359A>G, p.Gly453= (NM_001322007.2, NM_001322008.2, NM_001406876.1 and 2 more transcripts); c.1116A>G, p.Gly372= (NM_001322010.2, NM_001406906.1, NM_001406907.1); c.744A>G, p.Gly248= (NM_001322011.2, NM_001322012.2); c.1104A>G, p.Gly368= (NM_001322013.2, NM_001406909.1); c.1677A>G, p.Gly559= (NM_001322014.2, NM_001406871.1, NM_001406872.1); c.1368A>G, p.Gly456= (NM_001322015.2, NM_001406875.1, NM_001406877.1 and 5 more transcripts); and 13 more.
Identifiers: ClinVar variation 3903457 (VCV003903457.1).

ClinVar aggregate classification (germline): Benign (1 of 4 stars; one submission).

Conditions:
Lynch syndrome 4 (LYNCH4). Also called: Colorectal cancer, hereditary nonpolyposis, type 4; Hereditary non-polyposis colorectal cancer, type 4. Identifiers: Orphanet 144, MedGen C1838333, MONDO:0013699, OMIM 614337. Disease mechanism: loss of function.

Submission:

Myriad Genetics, Inc.
Classification: Benign for Lynch syndrome 4. Last evaluated: 2025-01-31. Review status: criteria provided, single submitter. Criteria: Myriad Autosomal Dominant, Autosomal Recessive and X-Linked Classification Criteria (2023). Collection method: clinical testing. Allele origin: unknown.
Comment: This variant is considered benign. This variant is a silent/synonymous amino acid change and it is not expected to impact splicing.